The following is an entry in ClinVar:

NM_031220.4(PITPNM3):c.2024T>G (p.Met675Arg)

Gene: PITPNM3 (PITPNM family member 3; minus strand). Cytogenetic location: 17p13.2.
Variant type: single nucleotide variant.
Coding change: c.2024T>G on transcript NM_031220.4 (MANE Select); coding-DNA position 2024, T replaced by G.
Protein change: p.Met675Arg; replaces methionine 675 with arginine.
Molecular consequence: missense variant.
Genome position (GRCh38, 1-based): chr17:6,464,302, A>C on the plus strand (T>G on the coding strand, the complement: PITPNM3 is on the minus strand). VCF-style: chr17-6464302-A-C. GRCh37 (hg19) VCF-style: chr17-6367622-A-C.
Other names: c.1916T>G, p.Met639Arg (NM_001165966.2); short protein forms M675R, M639R.
Identifiers: ClinVar variation 4696489 (VCV004696489.1).
Genomic context (GRCh38, chr17:6,464,302, plus strand): 5'-CCACTGCTGTTGGTGATCTCTGTGTCCAGGTGTACCCAGCGGCCTGAGGATGGCTCTGCC[A>C]TTACTAGGATGTCCACCTGCGGCAGTGAAGGGGGTCAGGGACTCCCTGAAGGCTGAGGGG-3'
Protein context (NP_112497.2, residues 665-685): LTGEKVDILV[Met675Arg]AEPSSGRWVH

ClinVar aggregate classification (germline): Uncertain significance (1 of 4 stars; one submission).

gnomAD v4.1: 13 of 1,613,864 alleles (0.00081%); highest among the groups gnomAD compares: Non-Finnish European, 0.001%; no homozygotes.

Submission:

Labcorp Genetics (formerly Invitae), Labcorp
Classification: Uncertain significance. Last evaluated: 2025-08-25. Review status: criteria provided, single submitter. Criteria: Invitae Variant Classification Sherloc (09022015). Collection method: clinical testing. Allele origin: germline.
Comment: This sequence change replaces methionine, which is neutral and non-polar, with arginine, which is basic and polar, at codon 675 of the PITPNM3 protein (p.Met675Arg). This variant is not present in population databases (gnomAD no frequency). This variant has not been reported in the literature in individuals affected with PITPNM3-related conditions. Invitae Evidence Modeling of protein sequence and biophysical properties (such as structural, functional, and spatial information, amino acid conservation, physicochemical variation, residue mobility, and thermodynamic stability) indicates that this missense variant is not expected to disrupt PITPNM3 protein function with a negative predictive value of 80%. In summary, the available evidence is currently insufficient to determine the role of this variant in disease. Therefore, it has been classified as a Variant of Uncertain Significance.